The following is an entry in ClinVar:

NM_005263.5(GFI1):c.578C>A (p.Ala193Asp)

Gene: GFI1 (growth factor independent 1 transcriptional repressor; minus strand). Cytogenetic location: 1p22.1.
Variant type: single nucleotide variant.
Coding change: c.578C>A on transcript NM_005263.5 (MANE Select); coding-DNA position 578, C replaced by A.
Protein change: p.Ala193Asp; replaces alanine 193 with aspartic acid.
Molecular consequence: missense variant.
Genome position (GRCh38, 1-based): chr1:92,480,809, G>T on the plus strand (C>A on the coding strand, the complement: GFI1 is on the minus strand). VCF-style: chr1-92480809-G-T. GRCh37 (hg19) VCF-style: chr1-92946366-G-T.
Other names: c.578C>A, p.Ala193Asp (NM_001127215.3, NM_001127216.3); short protein forms A193D.
Identifiers: ClinVar variation 3519814 (VCV003519814.1).
Genomic context (GRCh38, chr1:92,480,809, plus strand): 5'-CTCTCATACAGCCCGGCTGCCGCAGACCCGAAGTCGCCGTAGAGCCCTAGGCCAGGGCCA[G>T]CGGTGGCACCGGCCCCTGCGCTGCAGCTCCCTGGCGCCCCGGCCCCCGCGCCGCCGGCAG-3'
Protein context (NP_005254.2, residues 183-203): GSCSAGAGAT[Ala193Asp]GPGLGLYGDF

ClinVar aggregate classification (germline): Uncertain significance (1 of 4 stars; one submission).

gnomAD v4.1: 7 of 1,583,560 alleles (0.00044%); highest among the groups gnomAD compares: Non-Finnish European, 0.0006%; no homozygotes.

Submission:

Ambry Genetics
Classification: Uncertain significance. Last evaluated: 2024-11-20. Review status: criteria provided, single submitter. Criteria: Ambry Variant Classification Scheme 2023. Collection method: clinical testing. Allele origin: germline.
Comment: The p.A193D variant (also known as c.578C>A), located in coding exon 3 of the GFI1 gene, results from a C to A substitution at nucleotide position 578. The alanine at codon 193 is replaced by aspartic acid, an amino acid with dissimilar properties. This amino acid position is conserved. In addition, this alteration is predicted to be tolerated by in silico analysis. Based on the available evidence, the clinical significance of this variant remains unclear.